The following is an entry in ClinVar:

NM_024678.6(NARS2):c.1410G>T (p.Arg470Ser)

Gene: NARS2 (asparaginyl-tRNA synthetase 2, mitochondrial; minus strand). Cytogenetic location: 11q14.1.
Variant type: single nucleotide variant.
Coding change: c.1410G>T on transcript NM_024678.6 (MANE Select); coding-DNA position 1410, G replaced by T.
Protein change: p.Arg470Ser; replaces arginine 470 with serine.
Molecular consequence: missense variant. On other transcripts: 3 prime UTR variant (1), non-coding transcript variant (4).
Genome position (GRCh38, 1-based): chr11:78,436,694, C>A on the plus strand (G>T on the coding strand, the complement: NARS2 is on the minus strand). VCF-style: chr11-78436694-C-A. GRCh37 (hg19) VCF-style: chr11-78147740-C-A.
Other names: c.729G>T, p.Arg243Ser (NM_001243251.2, NM_001425312.1, NM_001425313.1); c.1533G>T, p.Arg511Ser (NM_001425299.1); c.1383G>T, p.Arg461Ser (NM_001425300.1); c.1338G>T, p.Arg446Ser (NM_001425301.1); c.1329G>T, p.Arg443Ser (NM_001425302.1); c.1302G>T, p.Arg434Ser (NM_001425303.1); c.1272G>T, p.Arg424Ser (NM_001425304.1); c.*1273G>T (NM_001425305.1); and 7 more; short protein forms R234S, R243S, R253S, R284S, R380S, R393S, R394S, R400S.
Identifiers: ClinVar variation 3367247 (VCV003367247.1).
Genomic context (GRCh38, chr11:78,436,694, plus strand): 5'-GCCATGGGGGGTGCTTTTCCTTAACCAATCTTCCAGCTATAAAAGGCATGAATGAGGAAA[C>A]CTTGGGAAAGGGATAACATCTTTGATATTGTCAACACCCAAGATGCACTGCAGGTAGCGT-3'
Protein context (NP_078954.4, residues 460-477): DNIKDVIPFP[Arg470Ser]FPHSCLL

ClinVar aggregate classification (germline): Uncertain significance (1 of 4 stars; one submission).

Submission:

GeneDx
Classification: Uncertain significance. Last evaluated: 2023-12-29. Review status: criteria provided, single submitter. Criteria: GeneDx Variant Classification Process June 2021. Collection method: clinical testing. Allele origin: germline. Affected: yes.
Comment: Not observed at significant frequency in large population cohorts (gnomAD); In silico analysis supports that this missense variant has a deleterious effect on protein structure/function; Has not been previously published as pathogenic or benign to our knowledge